The following is an entry in ClinVar:

ClinVar aggregate classification (germline): Uncertain significance (1 of 4 stars; one submission).

gnomAD v4.1: 2 of 1,600,168 alleles (0.00012%); highest among the groups gnomAD compares: African/African-American, 0.0027%; no homozygotes.

Submission:

GeneDx
Classification: Uncertain significance. Last evaluated: 2023-11-29. Review status: criteria provided, single submitter. Criteria: GeneDx Variant Classification Process June 2021. Collection method: clinical testing. Allele origin: germline. Affected: yes.
Comment: Not observed at significant frequency in large population cohorts (gnomAD); In silico analysis supports that this missense variant has a deleterious effect on protein structure/function; Has not been previously published as pathogenic or benign to our knowledge

NM_000744.7(CHRNA4):c.258C>A (p.Asn86Lys)

Genes: CHRNA4 (cholinergic receptor nicotinic alpha 4 subunit; minus strand), LOC126863087 (P300/CBP strongly-dependent group 1 enhancer GRCh37_chr20:61986832-61988031; plus strand). Cytogenetic location: 20q13.33.
Variant type: single nucleotide variant.
Coding change: c.258C>A on transcript NM_000744.7 (MANE Select); coding-DNA position 258, C replaced by A.
Protein change: p.Asn86Lys; replaces asparagine 86 with lysine.
Molecular consequence: missense variant. On other transcripts: 5 prime UTR variant (1), non-coding transcript variant (1).
Genome position (GRCh38, 1-based): chr20:63,356,386, G>T on the plus strand (C>A on the coding strand, the complement: CHRNA4 is on the minus strand). VCF-style: chr20-63356386-G-T. GRCh37 (hg19) VCF-style: chr20-61987738-G-T.
Other names: c.-289C>A (NM_001256573.2); short protein forms N86K.
Identifiers: ClinVar variation 1202916 (VCV001202916.4), dbSNP rs140239470, ClinGen allele CA409641461.
Genomic context (GRCh38, chr20:63,356,386, plus strand): 5'-GTGGGGGAGGGCAGGGGTGGGGCAGGGCAGTGCCCTCCCACTCACCTGCTTCACCCATAC[G>T]TTCGTGGTCATCATCTGGTTCTTCTCATCCTAGGGCACCGAGAGAGGAAGGGGGCCAGTG-3'
Protein context (NP_000735.1, residues 76-96): VDEKNQMMTT[Asn86Lys]VWVKQEWHDY